The following is an entry in ClinVar:

ClinVar aggregate classification (germline): Pathogenic (0 of 4 stars; one submission).

Submission:

GenMed Metabolism Lab
Classification: Pathogenic. Review status: no assertion criteria provided. Collection method: not provided. Allele origin: unknown.
ClinVar note: Converted during submission from pathogenic to Pathogenic.

NM_000531.6(OTC):c.463G>T (p.Ala155Ser)

Gene: OTC (ornithine transcarbamylase; plus strand). Cytogenetic location: Xp11.4.
Variant type: single nucleotide variant.
Coding change: c.463G>T on transcript NM_000531.6 (MANE Select); coding-DNA position 463, G replaced by T.
Protein change: p.Ala155Ser; replaces alanine 155 with serine.
Molecular consequence: missense variant.
Genome position (GRCh38, 1-based): chrX:38,401,351, G>T. VCF-style: chrX-38401351-G-T. GRCh37 (hg19) VCF-style: chrX-38260604-G-T.
Other names: short protein forms A155S.
Identifiers: ClinVar variation 97209 (VCV000097209.2), dbSNP rs67890094, ClinGen allele CA224623.